The following is an entry in ClinVar:

ClinVar aggregate classification (germline): Uncertain significance. Review status: criteria provided, multiple submitters, no conflicts (2 of 4 stars). 2 submissions from 2 submitters: Uncertain significance (2). Last evaluated 2025-01-19.

Conditions:
Microcephaly 17, primary, autosomal recessive (MCPH17). Identifiers: Orphanet 2512, MedGen C4310723, MONDO:0014908, OMIM 617090.
Inborn genetic diseases. Identifiers: MedGen C0950123, MeSH D030342.

Allele frequency attached by ClinVar (database versions not stated): ExAC 0.00003; gnomAD exomes 0.00003; TOPMed 0.00003; gnomAD 0.00005; ESP Exome Variant Server 0.00008; 1000 Genomes Project 0.00040; 1000 Genomes Project 30x 0.00047.
gnomAD v4.1: 46 of 1,613,354 alleles (0.0029%); highest among the groups gnomAD compares: African/African-American, 0.0093%; no homozygotes.

Submissions (2):

Ambry Genetics
Classification: Uncertain significance for Inborn genetic diseases. Last evaluated: 2025-01-19. Review status: criteria provided, single submitter. Criteria: Ambry Variant Classification Scheme 2023. Collection method: clinical testing. Allele origin: germline.

Victorian Clinical Genetics Services, Murdoch Childrens Research Institute
Classification: Uncertain significance for Microcephaly 17, primary, autosomal recessive. Last evaluated: 2020-05-21. Review status: criteria provided, single submitter. Criteria: ACMG Guidelines, 2015. Collection method: clinical testing. Allele origin: germline. Inheritance: Autosomal recessive inheritance. Affected: yes.
Comment: A heterozygous missense variant was identified, NM_001206999.1(CIT):c.731C>T in exon 7 of the CIT gene. This substitution is predicted to create a minor amino acid change from an alanine to a valine at position 244 of the protein; NP_001193928.1(CIT):p.(Ala244Val). The alanine at this position has high conservation (100 vertebrates, UCSC), and is located within the protein kinase functional domain (PDB). In silico software predictions of the pathogenicity of this variant are conflicting (PolyPhen2, PROVEAN, FATHMM, MutationAssessor). The variant is present in the gnomAD population database at a global population frequency of 0.004% (10 heterozygotes, 0 homozygotes) with an African sub-population frequency of 0.02%. This variant has not previously been reported in clinical cases. Based on information available at the time of curation, this variant has been classified as a VUS with POTENTIAL CLINICAL RELEVANCE. Legend: (P) - Pathogenic, (N) - Neutral, (B) - Benign

NM_001206999.2(CIT):c.731C>T (p.Ala244Val)

Gene: CIT (citron rho-interacting serine/threonine kinase; minus strand). Cytogenetic location: 12q24.23.
Variant type: single nucleotide variant.
Coding change: c.731C>T on transcript NM_001206999.2 (MANE Select); coding-DNA position 731, C replaced by T.
Protein change: p.Ala244Val; replaces alanine 244 with valine.
Molecular consequence: missense variant.
Genome position (GRCh38, 1-based): chr12:119,832,793, G>A on the plus strand (C>T on the coding strand, the complement: CIT is on the minus strand). VCF-style: chr12-119832793-G-A. GRCh37 (hg19) VCF-style: chr12-120270597-G-A.
Other names: c.731C>T, p.Ala244Val (NM_007174.3); short protein forms A244V.
Identifiers: ClinVar variation 1805646 (VCV001805646.2), dbSNP rs140764450, ClinGen allele CA6822312.